The following is an entry in ClinVar:

NM_002180.3(IGHMBP2):c.1130G>A (p.Cys377Tyr)

Gene: IGHMBP2 (immunoglobulin mu DNA binding protein 2; plus strand). Cytogenetic location: 11q13.3.
Variant type: single nucleotide variant.
Coding change: c.1130G>A on transcript NM_002180.3 (MANE Select); coding-DNA position 1130, G replaced by A.
Protein change: p.Cys377Tyr; replaces cysteine 377 with tyrosine.
Molecular consequence: missense variant.
Genome position (GRCh38, 1-based): chr11:68,929,252, G>A. VCF-style: chr11-68929252-G-A. GRCh37 (hg19) VCF-style: chr11-68696720-G-A.
Other names: short protein forms C377Y.
Identifiers: ClinVar variation 849678 (VCV000849678.11), dbSNP rs760811074, ClinGen allele CA6153529.
Genomic context (GRCh38, chr11:68,929,252, plus strand): 5'-CCGATGGCCCCCTGAAGTTGCTGCCCGAGAGCTACTTCGACGTGGTGGTCATTGACGAGT[G>A]TGCCCAGGCCCTCGAGGCGAGCTGCTGGATCCCCCTGCTGAAGGCCAGAAAGTGCATCCT-3'
Protein context (NP_002171.2, residues 367-387): SYFDVVVIDE[Cys377Tyr]AQALEASCWI

ClinVar aggregate classification (germline): Conflicting classifications of pathogenicity. Review status: criteria provided, conflicting classifications (1 of 4 stars). 2 submissions from 2 submitters: Pathogenic (1); Uncertain significance (1). Last evaluated 2025-06-04.

Conditions:
Autosomal recessive distal spinal muscular atrophy 1. Also called: SEVERE INFANTILE AXONAL NEUROPATHY WITH RESPIRATORY FAILURE; SPINAL MUSCULAR ATROPHY, DIAPHRAGMATIC; Spinal muscular atrophy with respiratory distress 1; NEURONOPATHY, DISTAL HEREDITARY MOTOR, HARDING TYPE VI; NEUROPATHY, DISTAL HEREDITARY MOTOR, AUTOSOMAL RECESSIVE 1; HMN VI. Identifiers: Orphanet 98920, MedGen C1858517, MONDO:0011436, OMIM 604320.
Charcot-Marie-Tooth disease axonal type 2S. Also called: CHARCOT-MARIE-TOOTH DISEASE, AXONAL, AUTOSOMAL RECESSIVE, TYPE 2S; CHARCOT-MARIE-TOOTH NEUROPATHY, TYPE 2S. Identifiers: Orphanet 443073, MedGen C4015349, MONDO:0014511, OMIM 616155.

Allele frequency attached by ClinVar (database versions not stated): gnomAD exomes below 0.00001 and 0.00001; ExAC 0.00001; gnomAD 0.00001; TOPMed 0.00002.
gnomAD v4.1: 4 of 1,613,830 alleles (0.00025%); highest among the groups gnomAD compares: Admixed American, 0.005%; no homozygotes.

Submissions (2):

Women's Health and Genetics/Laboratory Corporation of America, LabCorp
Classification: Uncertain significance. Last evaluated: 2025-06-04. Review status: criteria provided, single submitter. Criteria: LabCorp Variant Classification Summary - May 2015. Collection method: clinical testing. Allele origin: germline.
Comment: Variant summary: IGHMBP2 c.1130G>A (p.Cys377Tyr) results in a non-conservative amino acid change in the encoded protein sequence. Algorithms developed to predict the effect of missense changes on protein structure and function all suggest that this variant is likely to be disruptive. The variant allele was found at a frequency of 4e-06 in 251208 control chromosomes. c.1130G>A has been observed in individual(s) affected with Charcot-Marie-Tooth disease axonal type 2S. These data indicate that the variant may be associated with disease (LCG internal data). To our knowledge, no experimental evidence demonstrating an impact on protein function has been reported. ClinVar contains an entry for this variant (Variation ID: 849678). Based on the evidence outlined above, the variant was classified as VUS-possibly pathogenic.

Labcorp Genetics (formerly Invitae), Labcorp
Classification: Pathogenic for Autosomal recessive distal spinal muscular atrophy 1; Charcot-Marie-Tooth disease axonal type 2S. Last evaluated: 2024-11-05. Review status: criteria provided, single submitter. Criteria: Invitae Variant Classification Sherloc (09022015). Collection method: clinical testing. Allele origin: germline.
Comment: This sequence change replaces cysteine, which is neutral and slightly polar, with tyrosine, which is neutral and polar, at codon 377 of the IGHMBP2 protein (p.Cys377Tyr). This variant is present in population databases (rs760811074, gnomAD 0.003%). This missense change has been observed in individuals with clinical features of Charcot-Marie-Tooth disease (internal data). ClinVar contains an entry for this variant (Variation ID: 849678). Invitae Evidence Modeling of protein sequence and biophysical properties (such as structural, functional, and spatial information, amino acid conservation, physicochemical variation, residue mobility, and thermodynamic stability) indicates that this missense variant is expected to disrupt IGHMBP2 protein function with a positive predictive value of 80%. For these reasons, this variant has been classified as Pathogenic.